The following is an entry in ClinVar:

ClinVar aggregate classification (germline): Uncertain significance (1 of 4 stars; one submission).

Conditions:
Inborn genetic diseases. Identifiers: MedGen C0950123, MeSH D030342.

Submission:

Ambry Genetics
Classification: Uncertain significance for Inborn genetic diseases. Last evaluated: 2024-12-22. Review status: criteria provided, single submitter. Criteria: Ambry Variant Classification Scheme 2023. Collection method: clinical testing. Allele origin: germline.
Comment: The p.G583D variant (also known as c.1748G>A), located in coding exon 10 of the FANCM gene, results from a G to A substitution at nucleotide position 1748. The glycine at codon 583 is replaced by aspartic acid, an amino acid with similar properties. This amino acid position is conserved. In addition, the in silico prediction for this alteration is inconclusive. Based on the available evidence, the clinical significance of this variant remains unclear.

NM_020937.4(FANCM):c.1748G>A (p.Gly583Asp)

Gene: FANCM (FA complementation group M; plus strand). Cytogenetic location: 14q21.2.
Variant type: single nucleotide variant.
Coding change: c.1748G>A on transcript NM_020937.4 (MANE Select); coding-DNA position 1748, G replaced by A.
Protein change: p.Gly583Asp; replaces glycine 583 with aspartic acid.
Molecular consequence: missense variant.
Genome position (GRCh38, 1-based): chr14:45,164,525, G>A. VCF-style: chr14-45164525-G-A. GRCh37 (hg19) VCF-style: chr14-45633728-G-A.
Other names: c.1670G>A, p.Gly557Asp (NM_001308133.2); c.1748G>A, p.Gly583Asp (NM_001308134.2); short protein forms G557D, G583D.
Identifiers: ClinVar variation 3848535 (VCV003848535.1).